The following is an entry in ClinVar:

ClinVar aggregate classification (germline): Benign/Likely benign. Review status: criteria provided, multiple submitters, no conflicts (2 of 4 stars). 3 submissions from 3 submitters: Benign (1); Likely benign (2). Last evaluated 2025-04-07.

Conditions:
Inborn genetic diseases. Identifiers: MedGen C0950123, MeSH D030342.
Brain small vessel disease 2A, autosomal dominant. Also called: Porencephaly 2. Identifiers: Orphanet 2940, Orphanet 99810, MedGen C3280970, MONDO:0013773, OMIM 614483.

Allele frequency attached by ClinVar (database versions not stated): TOPMed 0.00003; gnomAD 0.00005 and 0.00008; 1000 Genomes Project 0.00020; 1000 Genomes Project 30x 0.00047.

Submissions (3):

Labcorp Genetics (formerly Invitae), Labcorp
Classification: Likely benign. Last evaluated: 2025-04-07. Review status: criteria provided, single submitter. Criteria: Invitae Variant Classification Sherloc (09022015). Collection method: clinical testing. Allele origin: germline.

Ambry Genetics
Classification: Likely benign for Inborn genetic diseases. Last evaluated: 2024-05-29. Review status: criteria provided, single submitter. Criteria: Ambry Variant Classification Scheme 2023. Collection method: clinical testing. Allele origin: germline.

Illumina Laboratory Services, Illumina
Classification: Benign for Brain small vessel disease 2A, autosomal dominant. Last evaluated: 2018-01-13. Review status: criteria provided, single submitter. Criteria: ICSL Variant Classification Criteria 13 December 2019. Collection method: clinical testing. Allele origin: germline.
Comment: This variant was observed in the ICSL laboratory as part of a predisposition screen in an ostensibly healthy population. It had not been previously curated by ICSL or reported in the Human Gene Mutation Database (HGMD: prior to June 1st, 2018), and was therefore a candidate for classification through an automated scoring system. Utilizing variant allele frequency, disease prevalence and penetrance estimates, and inheritance mode, an automated score was calculated to assess if this variant is too frequent to cause the disease. Based on the score and internal cut-off values, a variant classified as benign is not then subjected to further curation. The score for this variant resulted in a classification of benign for this disease.

NM_001846.4(COL4A2):c.395C>T (p.Pro132Leu)

Gene: COL4A2 (collagen type IV alpha 2 chain; plus strand). Cytogenetic location: 13q34.
Variant type: single nucleotide variant.
Coding change: c.395C>T on transcript NM_001846.4 (MANE Select); coding-DNA position 395, C replaced by T.
Protein change: p.Pro132Leu; replaces proline 132 with leucine.
Molecular consequence: missense variant.
Genome position (GRCh38, 1-based): chr13:110,428,501, C>T. VCF-style: chr13-110428501-C-T. GRCh37 (hg19) VCF-style: chr13-111080848-C-T.
Other names: short protein forms P132L.
Identifiers: ClinVar variation 311100 (VCV000311100.14), dbSNP rs199561972, ClinGen allele CA7048881.